The following is an entry in ClinVar:

ClinVar aggregate classification (germline): Uncertain significance (1 of 4 stars; one submission).

Conditions:
Charcot-Marie-Tooth disease axonal type 2V. Also called: CHARCOT-MARIE-TOOTH NEUROPATHY, TYPE 2V; CHARCOT-MARIE-TOOTH DISEASE, AXONAL, AUTOSOMAL DOMINANT, TYPE 2V. Identifiers: Orphanet 447964, MedGen C5569050, MONDO:0014665, OMIM 616491.
Mucopolysaccharidosis, MPS-III-B (MPS3B). Also called: MPS IIIB (Sanfilippo Syndrome Type B); N-ACETYL-ALPHA-D-GLUCOSAMINIDASE DEFICIENCY; NAGLU DEFICIENCY; MUCOPOLYSACCHARIDOSIS, TYPE IIIB; Mucopolysaccharidosis type IIIB (Sanfilippo B); SANFILIPPO SYNDROME B. Identifiers: Orphanet 79270, MedGen C0086648, MONDO:0009656, OMIM 252920.

Submission:

Labcorp Genetics (formerly Invitae), Labcorp
Classification: Uncertain significance for Charcot-Marie-Tooth disease axonal type 2V; Mucopolysaccharidosis, MPS-III-B. Last evaluated: 2021-11-17. Review status: criteria provided, single submitter. Criteria: Invitae Variant Classification Sherloc (09022015). Collection method: clinical testing. Allele origin: germline.
Comment: In summary, the available evidence is currently insufficient to determine the role of this variant in disease. Therefore, it has been classified as a Variant of Uncertain Significance. Advanced modeling of protein sequence and biophysical properties (such as structural, functional, and spatial information, amino acid conservation, physicochemical variation, residue mobility, and thermodynamic stability) performed at Invitae indicates that this missense variant is expected to disrupt NAGLU protein function. This variant has not been reported in the literature in individuals affected with NAGLU-related conditions. This variant is not present in population databases (gnomAD no frequency). This sequence change replaces valine, which is neutral and non-polar, with alanine, which is neutral and non-polar, at codon 369 of the NAGLU protein (p.Val369Ala).

NM_000263.4(NAGLU):c.1106T>C (p.Val369Ala)

Gene: NAGLU (N-acetyl-alpha-glucosaminidase; plus strand). Cytogenetic location: 17q21.2.
Variant type: single nucleotide variant.
Coding change: c.1106T>C on transcript NM_000263.4 (MANE Select); coding-DNA position 1106, T replaced by C.
Protein change: p.Val369Ala; replaces valine 369 with alanine.
Molecular consequence: missense variant.
Genome position (GRCh38, 1-based): chr17:42,543,112, T>C. VCF-style: chr17-42543112-T-C. GRCh37 (hg19) VCF-style: chr17-40695130-T-C.
Other names: short protein forms V369A.
Identifiers: ClinVar variation 1388722 (VCV001388722.6), dbSNP rs2143107785, ClinGen allele CA399601150.